The following is an entry in ClinVar:

ClinVar aggregate classification (germline): Pathogenic. Review status: criteria provided, multiple submitters, no conflicts (2 of 4 stars). 2 submissions from 2 submitters: Pathogenic (2). Last evaluated 2024-01-17.

Conditions:
Finnish congenital nephrotic syndrome (NPHS1). Also called: NEPHROTIC SYNDROME, TYPE 1. Identifiers: Orphanet 839, MedGen C0403399, MONDO:0009732, OMIM 256300.

Submissions (2):

Fulgent Genetics
Classification: Pathogenic for Finnish congenital nephrotic syndrome. Last evaluated: 2024-01-17. Review status: criteria provided, single submitter. Criteria: ACMG Guidelines, 2015. Collection method: clinical testing. Allele origin: germline.

Labcorp Genetics (formerly Invitae), Labcorp
Classification: Pathogenic. Last evaluated: 2019-07-19. Review status: criteria provided, single submitter. Criteria: Invitae Variant Classification Sherloc (09022015). Collection method: clinical testing. Allele origin: germline.
Comment: For these reasons, this variant has been classified as Pathogenic. Loss-of-function variants in NPHS1 are known to be pathogenic (PMID: 11317351, 11854170, 12039988). This variant has been observed in an individual affected with congenital nephrotic syndrome (PMID: 15338398). This variant is also known as delC1814 in the literature. This variant is not present in population databases (ExAC no frequency). This sequence change creates a premature translational stop signal (p.Arg606Glyfs*16) in the NPHS1 gene. It is expected to result in an absent or disrupted protein product.

Literature cited by the submitters: PubMed 11317351 (cited by Labcorp Genetics (formerly Invitae), Labcorp); PubMed 11854170 (cited by Labcorp Genetics (formerly Invitae), Labcorp); PubMed 12039988 (cited by Labcorp Genetics (formerly Invitae), Labcorp); PubMed 15338398 (cited by Labcorp Genetics (formerly Invitae), Labcorp).

NM_004646.4(NPHS1):c.1815del (p.Arg606fs)

Gene: NPHS1 (NPHS1 adhesion molecule, nephrin; minus strand). Cytogenetic location: 19q13.12.
Variant type: Deletion.
Coding change: c.1815del on transcript NM_004646.4 (MANE Select); coding-DNA position 1815, one base deleted (C; older notation c.1815delC).
Protein change: p.Arg606fs; shifts the reading frame from arginine 606.
Molecular consequence: frameshift variant.
Genome position (GRCh38, 1-based): chr19:35,845,483, G deleted on the plus strand (C on the coding strand, the reverse complement: NPHS1 is on the minus strand); the first of 2 consecutive G bases (chr19:35,845,483-35,845,484); deleting either gives the same sequence. VCF-style (leftmost placement, unchanged base first): chr19-35845482-TG-T. GRCh37 (hg19) VCF-style: chr19-36336384-TG-T.
Other names: short protein forms R606fs.
Identifiers: ClinVar variation 936746 (VCV000936746.10), dbSNP rs1973124127, ClinGen allele CA1139666409.